The following is an entry in ClinVar:

ClinVar aggregate classification (germline): Uncertain significance (1 of 4 stars; one submission).

Allele frequency attached by ClinVar (database versions not stated): gnomAD exomes 0.00001; TOPMed 0.00002; ExAC 0.00003; gnomAD 0.00001.
gnomAD v4.1: 20 of 1,611,972 alleles (0.0012%); highest among the groups gnomAD compares: Admixed American, 0.0017%; no homozygotes.

Submission:

Labcorp Genetics (formerly Invitae), Labcorp
Classification: Uncertain significance. Last evaluated: 2025-05-13. Review status: criteria provided, single submitter. Criteria: Invitae Variant Classification Sherloc (09022015). Collection method: clinical testing. Allele origin: germline.
Comment: This sequence change replaces alanine, which is neutral and non-polar, with threonine, which is neutral and polar, at codon 1819 of the PLXNA2 protein (p.Ala1819Thr). This variant is present in population databases (rs780393666, gnomAD 0.007%). This variant has not been reported in the literature in individuals affected with PLXNA2-related conditions. ClinVar contains an entry for this variant (Variation ID: 2972814). Invitae Evidence Modeling of protein sequence and biophysical properties (such as structural, functional, and spatial information, amino acid conservation, physicochemical variation, residue mobility, and thermodynamic stability) indicates that this missense variant is not expected to disrupt PLXNA2 protein function with a negative predictive value of 80%. In summary, the available evidence is currently insufficient to determine the role of this variant in disease. Therefore, it has been classified as a Variant of Uncertain Significance.

NM_025179.4(PLXNA2):c.5455G>A (p.Ala1819Thr)

Gene: PLXNA2 (plexin A2; minus strand). Cytogenetic location: 1q32.2.
Variant type: single nucleotide variant.
Coding change: c.5455G>A on transcript NM_025179.4 (MANE Select); coding-DNA position 5455, G replaced by A.
Protein change: p.Ala1819Thr; replaces alanine 1819 with threonine.
Molecular consequence: missense variant.
Genome position (GRCh38, 1-based): chr1:208,028,143, C>T on the plus strand (G>A on the coding strand, the complement: PLXNA2 is on the minus strand). VCF-style: chr1-208028143-C-T. GRCh37 (hg19) VCF-style: chr1-208201488-C-T.
Other names: short protein forms A1819T.
Identifiers: ClinVar variation 2972814 (VCV002972814.3), dbSNP rs780393666, ClinGen allele CA1372546.